The following is an entry in ClinVar:

ClinVar aggregate classification (germline): Pathogenic (1 of 4 stars; one submission).

Conditions:
Axenfeld-Rieger syndrome type 3 (RIEG3). Also called: AXENFELD-RIEGER ANOMALY WITH CARDIAC DEFECTS AND/OR SENSORINEURAL HEARING LOSS. Identifiers: Orphanet 782, MedGen C2678503, MONDO:0011233, OMIM 602482.

Submission:

Labcorp Genetics (formerly Invitae), Labcorp
Classification: Pathogenic for Axenfeld-Rieger syndrome type 3. Last evaluated: 2022-10-16. Review status: criteria provided, single submitter. Criteria: Invitae Variant Classification Sherloc (09022015). Collection method: clinical testing. Allele origin: germline.
Comment: A gross deletion of the genomic region encompassing the full coding sequence of the FOXC1 gene has been identified. Loss-of-function variants in FOXC1 are known to be pathogenic (PMID: 16936096, 20881294). The boundaries of this event are unknown as they extend beyond the assayed region for this gene and therefore may encompass additional genes. A similar copy number variant has been observed in individual(s) with anterior segment dysgenesis and Axenfeld-Rieger syndrome (PMID: 20881294, 22382802). For these reasons, this variant has been classified as Pathogenic.

Literature cited by the submitters: PubMed 16936096; PubMed 20881294; PubMed 22382802.

NC_000006.11:g.(?_1610681)_(1612342_?)del

Gene: FOXC1 (forkhead box C1; plus strand). Cytogenetic location: 6p25.3.
Variant type: Deletion.
Identifiers: ClinVar variation 2424168 (VCV002424168.3).